The following is an entry in ClinVar:

ClinVar aggregate classification (germline): Uncertain significance (1 of 4 stars; one submission).

Submission:

Labcorp Genetics (formerly Invitae), Labcorp
Classification: Uncertain significance. Last evaluated: 2024-10-25. Review status: criteria provided, single submitter. Criteria: Invitae Variant Classification Sherloc (09022015). Collection method: clinical testing. Allele origin: germline.
Comment: This sequence change replaces isoleucine, which is neutral and non-polar, with methionine, which is neutral and non-polar, at codon 393 of the PROM1 protein (p.Ile393Met). This variant is not present in population databases (gnomAD no frequency). This variant has not been reported in the literature in individuals affected with PROM1-related conditions. ClinVar contains an entry for this variant (Variation ID: 2097908). Invitae Evidence Modeling of protein sequence and biophysical properties (such as structural, functional, and spatial information, amino acid conservation, physicochemical variation, residue mobility, and thermodynamic stability) indicates that this missense variant is expected to disrupt PROM1 protein function with a positive predictive value of 80%. In summary, the available evidence is currently insufficient to determine the role of this variant in disease. Therefore, it has been classified as a Variant of Uncertain Significance.

NM_006017.3(PROM1):c.1179C>G (p.Ile393Met)

Gene: PROM1 (prominin 1; minus strand). Cytogenetic location: 4p15.32.
Variant type: single nucleotide variant.
Coding change: c.1179C>G on transcript NM_006017.3 (MANE Select); coding-DNA position 1179, C replaced by G.
Protein change: p.Ile393Met; replaces isoleucine 393 with methionine.
Molecular consequence: missense variant.
Genome position (GRCh38, 1-based): chr4:16,009,071, G>C on the plus strand (C>G on the coding strand, the complement: PROM1 is on the minus strand). VCF-style: chr4-16009071-G-C. GRCh37 (hg19) VCF-style: chr4-16010694-G-C.
Other names: c.1152C>G, p.Ile384Met (NM_001145847.2, NM_001145848.2, NM_001145851.2 and 4 more transcripts); c.1179C>G, p.Ile393Met (NM_001145849.2, NM_001145850.2); short protein forms I384M, I393M.
Identifiers: ClinVar variation 2097908 (VCV002097908.4), dbSNP rs373804552, ClinGen allele CA356437079.